The following is an entry in ClinVar:

ClinVar aggregate classification (germline): Pathogenic (1 of 4 stars; one submission).

Conditions:
Tuberous sclerosis 1 (TSC1). Identifiers: Orphanet 805, MedGen C1854465, MONDO:0008612, OMIM 191100.

Submission:

Labcorp Genetics (formerly Invitae), Labcorp
Classification: Pathogenic for Tuberous sclerosis 1. Last evaluated: 2023-11-21. Review status: criteria provided, single submitter. Criteria: Invitae Variant Classification Sherloc (09022015). Collection method: clinical testing. Allele origin: germline.
Comment: This sequence change creates a premature translational stop signal (p.Arg786Glufs*21) in the TSC1 gene. It is expected to result in an absent or disrupted protein product. Loss-of-function variants in TSC1 are known to be pathogenic (PMID: 10227394, 17304050). This variant is not present in population databases (gnomAD no frequency). This variant has not been reported in the literature in individuals affected with TSC1-related conditions. For these reasons, this variant has been classified as Pathogenic.

Literature cited by the submitters: PubMed 10227394; PubMed 17304050.

NM_000368.5(TSC1):c.2356del (p.Arg786fs)

Gene: TSC1 (TSC complex subunit 1; minus strand). Cytogenetic location: 9q34.13.
Variant type: Deletion.
Coding change: c.2356del on transcript NM_000368.5 (MANE Select); coding-DNA position 2356, one base deleted (C; older notation c.2356delC).
Protein change: p.Arg786fs; shifts the reading frame from arginine 786.
Molecular consequence: frameshift variant. On other transcripts: non-coding transcript variant (5).
Genome position (GRCh38, 1-based): chr9:132,902,640, G deleted on the plus strand (C on the coding strand, the reverse complement: TSC1 is on the minus strand); the first of 2 consecutive G bases (chr9:132,902,640-132,902,641); deleting either gives the same sequence. VCF-style (leftmost placement, unchanged base first): chr9-132902639-CG-C. GRCh37 (hg19) VCF-style: chr9-135778026-CG-C.
Other names: c.1990del, p.Arg664fs (NM_001406625.1, NM_001406620.1, NM_001406621.1 and 2 more transcripts); c.1405del, p.Arg469fs (NM_001406626.1); c.1402del, p.Arg468fs (NM_001406627.1, NM_001406628.1); c.1303del, p.Arg435fs (NM_001406629.1, NM_001406630.1); c.2353del, p.Arg785fs (NM_001162426.2, NM_001406597.1, NM_001406598.1 and 4 more transcripts); c.2203del, p.Arg735fs (NM_001162427.2, NM_001406610.1); c.1993del, p.Arg665fs (NM_001362177.2, NM_001406614.1, NM_001406615.1 and 5 more transcripts); c.2356del, p.Arg786fs (NM_001406592.1, NM_001406593.1, NM_001406594.1 and 5 more transcripts); and 3 more; short protein forms R469fs, R734fs, R785fs, R664fs, R665fs, R786fs, R468fs, R781fs.
Identifiers: ClinVar variation 2697849 (VCV002697849.3), dbSNP rs2538609351, ClinGen allele CA2697558130.